The following is an entry in ClinVar:

ClinVar aggregate classification (germline): Uncertain significance. Review status: criteria provided, multiple submitters, no conflicts (2 of 4 stars). 4 submissions from 4 submitters: Uncertain significance (2). 2 of the submissions do not count toward it. Last evaluated 2024-05-12.

Conditions:
TPP1-related disorder. Also called: TPP1-related condition.
Inborn genetic diseases. Identifiers: MedGen C0950123, MeSH D030342.
Neuronal ceroid lipofuscinosis 2. Also called: JANSKY-BIELSCHOWSKY DISEASE NEURONAL CEROID LIPOFUSCINOSIS, LATE INFANTILE; TPP1-Related Neuronal Ceroid-Lipofuscinosis. Identifiers: Orphanet 168491, Orphanet 228349, Orphanet 79264, MedGen C1876161, MONDO:0008769, OMIM 204500.

Allele frequency attached by ClinVar (database versions not stated): gnomAD 0.00001; gnomAD exomes 0.00002; ExAC 0.00003; TOPMed 0.00003; 1000 Genomes Project 30x 0.00016; 1000 Genomes Project 0.00020.

Submissions (4):

Ambry Genetics
Classification: Uncertain significance for Inborn genetic diseases. Last evaluated: 2024-05-12. Review status: criteria provided, single submitter. Criteria: Ambry Variant Classification Scheme 2023. Collection method: clinical testing. Allele origin: germline.

Labcorp Genetics (formerly Invitae), Labcorp
Classification: Uncertain significance. Last evaluated: 2022-05-05. Review status: criteria provided, single submitter. Criteria: Invitae Variant Classification Sherloc (09022015). Collection method: clinical testing. Allele origin: germline.
Comment: This sequence change replaces arginine, which is basic and polar, with histidine, which is basic and polar, at codon 40 of the TPP1 protein (p.Arg40His). This variant is present in population databases (rs549309216, gnomAD 0.02%). This variant has not been reported in the literature in individuals affected with TPP1-related conditions. ClinVar contains an entry for this variant (Variation ID: 658762). Advanced modeling of protein sequence and biophysical properties (such as structural, functional, and spatial information, amino acid conservation, physicochemical variation, residue mobility, and thermodynamic stability) performed at Invitae indicates that this missense variant is not expected to disrupt TPP1 protein function. In summary, the available evidence is currently insufficient to determine the role of this variant in disease. Therefore, it has been classified as a Variant of Uncertain Significance.

PreventionGenetics, part of Exact Sciences
Classification: Uncertain significance for TPP1-related condition. Last evaluated: 2024-02-22. Review status: no assertion criteria provided. Collection method: clinical testing. Allele origin: germline. Not counted in ClinVar's aggregate classification.
Comment: The TPP1 c.119G>A variant is predicted to result in the amino acid substitution p.Arg40His. To our knowledge, this variant has not been reported in the literature. This variant is reported in 0.011% of alleles in individuals of East Asian descent in gnomAD. At this time, the clinical significance of this variant is uncertain due to the absence of conclusive functional and genetic evidence.

Natera, Inc.
Classification: Uncertain significance for Neuronal ceroid lipofuscinosis 2. Last evaluated: 2020-04-14. Review status: no assertion criteria provided. Collection method: clinical testing. Allele origin: germline. Not counted in ClinVar's aggregate classification.

NM_000391.4(TPP1):c.119G>A (p.Arg40His)

Gene: TPP1 (tripeptidyl peptidase 1; minus strand). Cytogenetic location: 11p15.4.
Variant type: single nucleotide variant.
Coding change: c.119G>A on transcript NM_000391.4 (MANE Select); coding-DNA position 119, G replaced by A.
Protein change: p.Arg40His; replaces arginine 40 with histidine.
Molecular consequence: missense variant.
Genome position (GRCh38, 1-based): chr11:6,618,886, C>T on the plus strand (G>A on the coding strand, the complement: TPP1 is on the minus strand). VCF-style: chr11-6618886-C-T. GRCh37 (hg19) VCF-style: chr11-6640117-C-T.
Other names: short protein forms R40H.
Identifiers: ClinVar variation 658762 (VCV000658762.9), dbSNP rs549309216, ClinGen allele CA5859048.